The following is an entry in ClinVar:

NM_001999.4(FBN2):c.5819G>A (p.Arg1940Gln)

Gene: FBN2 (fibrillin 2; minus strand). Cytogenetic location: 5q23.3.
Variant type: single nucleotide variant.
Coding change: c.5819G>A on transcript NM_001999.4 (MANE Select); coding-DNA position 5819, G replaced by A.
Protein change: p.Arg1940Gln; replaces arginine 1940 with glutamine.
Molecular consequence: missense variant.
Genome position (GRCh38, 1-based): chr5:128,303,071, C>T on the plus strand (G>A on the coding strand, the complement: FBN2 is on the minus strand). VCF-style: chr5-128303071-C-T. GRCh37 (hg19) VCF-style: chr5-127638763-C-T.
Other names: short protein forms R1940Q.
Identifiers: ClinVar variation 956163 (VCV000956163.42), dbSNP rs749907917, ClinGen allele CA3394574.

ClinVar aggregate classification (germline): Conflicting classifications of pathogenicity. Review status: criteria provided, conflicting classifications (1 of 4 stars). 3 submissions from 3 submitters: Uncertain significance (2); Likely benign (1). Last evaluated 2025-11-01.

Conditions:
Familial thoracic aortic aneurysm and aortic dissection (TAAD). Also called: Thoracic aortic aneurysms and dissections. Identifiers: Orphanet 91387, MedGen C4707243, MONDO:0019625.
Congenital contractural arachnodactyly (CCA). Also called: Beals-Hecht syndrome; BEALS SYNDROME; Arthrogryposis, distal, type 9. Identifiers: Orphanet 115, MedGen C0220668, MONDO:0007363, OMIM 121050.

Allele frequency attached by ClinVar (database versions not stated): gnomAD exomes 0.00001 and 0.00002; gnomAD 0.00002; TOPMed 0.00002; ExAC 0.00004.
gnomAD v4.1: 12 of 1,605,558 alleles (0.00075%); highest among the groups gnomAD compares: South Asian, 0.0033%; no homozygotes.

Submissions (3):

CeGaT Center for Human Genetics Tuebingen
Classification: Uncertain significance. Last evaluated: 2025-11-01. Review status: criteria provided, single submitter. Criteria: CeGaT Center For Human Genetics Tuebingen Variant Classification Criteria Version 2. Collection method: clinical testing. Allele origin: germline. Affected: yes. Observed: 2 variant alleles.

Labcorp Genetics (formerly Invitae), Labcorp
Classification: Likely benign for Congenital contractural arachnodactyly. Last evaluated: 2023-05-22. Review status: criteria provided, single submitter. Criteria: Invitae Variant Classification Sherloc (09022015). Collection method: clinical testing. Allele origin: germline.

Ambry Genetics
Classification: Uncertain significance for Familial thoracic aortic aneurysm and aortic dissection. Last evaluated: 2020-11-12. Review status: criteria provided, single submitter. Criteria: Ambry Variant Classification Scheme 2023. Collection method: clinical testing. Allele origin: germline.
Comment: The p.R1940Q variant (also known as c.5819G>A), located in coding exon 46 of the FBN2 gene, results from a G to A substitution at nucleotide position 5819. The arginine at codon 1940 is replaced by glutamine, an amino acid with highly similar properties, and is located in the cbEGF-like #29 domain. This amino acid position is well conserved in available vertebrate species; however, glutamine is the reference amino acid in other vertebrate species. In addition, the in silico prediction for this alteration is inconclusive. Since supporting evidence is limited at this time, the clinical significance of this alteration remains unclear.